The following is an entry in ClinVar:

ClinVar aggregate classification (germline): Benign/Likely benign. Review status: criteria provided, multiple submitters, no conflicts (2 of 4 stars). 4 submissions from 4 submitters: Benign (1); Likely benign (2). 1 of the submissions does not count toward it. Last evaluated 2026-01-25.

Conditions:
Hereditary spastic paraplegia 50 (SPG50). Also called: Spastic paraplegia 50, autosomal recessive. Identifiers: Orphanet 280763, MedGen C2752008, MONDO:0013048, OMIM 612936.
AP4M1-related disorder. Also called: AP4M1-related condition.

Allele frequency attached by ClinVar (database versions not stated): gnomAD exomes 0.00041; ExAC 0.00055; ESP Exome Variant Server 0.00154; gnomAD 0.00175 and 0.00178; TOPMed 0.00179; 1000 Genomes Project 0.00240; 1000 Genomes Project 30x 0.00281.
gnomAD v4.1: 542 of 1,612,782 alleles (0.034%); highest among the groups gnomAD compares: African/African-American, 0.61%; 2 homozygotes.

Submissions (4):

Labcorp Genetics (formerly Invitae), Labcorp
Classification: Benign for Hereditary spastic paraplegia 50. Last evaluated: 2026-01-25. Review status: criteria provided, single submitter. Criteria: Invitae Variant Classification Sherloc (09022015). Collection method: clinical testing. Allele origin: germline.

Blueprint Genetics
Classification: Likely benign. Last evaluated: 2024-09-13. Review status: criteria provided, single submitter. Criteria: ACMG Guidelines, 2015. Collection method: clinical testing. Allele origin: germline.

GeneDx
Classification: Likely benign. Last evaluated: 2020-10-21. Review status: criteria provided, single submitter. Criteria: GeneDx Variant Classification Process June 2021. Collection method: clinical testing. Allele origin: germline. Affected: yes.

PreventionGenetics, part of Exact Sciences
Classification: Likely benign for AP4M1-related condition. Last evaluated: 2022-12-22. Review status: no assertion criteria provided. Collection method: clinical testing. Allele origin: germline. Not counted in ClinVar's aggregate classification.
Comment: This variant is classified as likely benign based on ACMG/AMP sequence variant interpretation guidelines (Richards et al. 2015 PMID: 25741868, with internal and published modifications).

NM_004722.4(AP4M1):c.525G>A (p.Leu175=)

Gene: AP4M1 (adaptor related protein complex 4 subunit mu 1; plus strand). Cytogenetic location: 7q22.1.
Variant type: single nucleotide variant.
Coding change: c.525G>A on transcript NM_004722.4 (MANE Select); coding-DNA position 525, G replaced by A.
Protein change: p.Leu175=; no amino-acid change (leucine 175 retained).
Molecular consequence: synonymous variant.
Genome position (GRCh38, 1-based): chr7:100,103,674, G>A. VCF-style: chr7-100103674-G-A. GRCh37 (hg19) VCF-style: chr7-99701297-G-A.
Other names: c.546G>A, p.Leu182= (NM_001363671.2).
Identifiers: ClinVar variation 695411 (VCV000695411.17), dbSNP rs113020957, ClinGen allele CA4374647.